The following is an entry in ClinVar:

ClinVar aggregate classification (germline): Pathogenic (1 of 4 stars; one submission).

Conditions:
Asphyxiating thoracic dystrophy 3. Also called: SHORT-RIB THORACIC DYSPLASIA 3 WITH OR WITHOUT POLYDACTYLY; POLYDACTYLY WITH NEONATAL CHONDRODYSTROPHY, TYPE I; SHORT-RIB THORACIC DYSPLASIA 3/6 WITH POLYDACTYLY, DIGENIC; Short rib polydactyly syndrome 2B; Saldino-Noonan Syndrome. Identifiers: Orphanet 474, Orphanet 93269, Orphanet 93270, Orphanet 93271, MedGen C0036069, MONDO:0013127, OMIM 613091.

Submission:

Myriad Genetics, Inc.
Classification: Pathogenic for Asphyxiating thoracic dystrophy 3. Last evaluated: 2025-09-09. Review status: criteria provided, single submitter. Criteria: Myriad Autosomal Dominant, Autosomal Recessive and X-Linked Classification Criteria (2023). Collection method: clinical testing. Allele origin: unknown.
Comment: NM_001377.2(DYNC2H1):c.3629G>A(W1210*) is expected to be pathogenic in the context of DYNC2H1-related disorders. This variant is predicted to lead to an abnormal or absent protein product due to the creation of a premature termination codon in DYNC2H1, a gene where loss-of-function variants are known to be pathogenic. Please note: this variant was assessed in the context of healthy population screening.

NM_001377.3(DYNC2H1):c.3629G>A (p.Trp1210Ter)

Gene: DYNC2H1 (dynein cytoplasmic 2 heavy chain 1; plus strand). Cytogenetic location: 11q22.3.
Variant type: single nucleotide variant.
Coding change: c.3629G>A on transcript NM_001377.3 (MANE Select); coding-DNA position 3629, G replaced by A.
Protein change: p.Trp1210Ter; replaces tryptophan 1210 with a stop codon.
Molecular consequence: nonsense.
Genome position (GRCh38, 1-based): chr11:103,155,386, G>A. VCF-style: chr11-103155386-G-A. GRCh37 (hg19) VCF-style: chr11-103026115-G-A.
Other names: c.3629G>A, p.Trp1210Ter (NM_001080463.2); short protein forms W1210*.
Identifiers: ClinVar variation 5014956 (VCV005014956.1).